The following is an entry in ClinVar:

NM_001003722.2(GLE1):c.1267C>T (p.Gln423Ter)

Gene: GLE1 (GLE1 RNA export mediator; plus strand). Cytogenetic location: 9q34.11.
Variant type: single nucleotide variant.
Coding change: c.1267C>T on transcript NM_001003722.2 (MANE Select); coding-DNA position 1267, C replaced by T.
Protein change: p.Gln423Ter; replaces glutamine 423 with a stop codon.
Molecular consequence: nonsense.
Genome position (GRCh38, 1-based): chr9:128,527,480, C>T. VCF-style: chr9-128527480-C-T. GRCh37 (hg19) VCF-style: chr9-131289759-C-T.
Other names: c.1267C>T, p.Gln423Ter (NM_001411013.1, NM_001499.2); short protein forms Q423*.
Identifiers: ClinVar variation 2027636 (VCV002027636.4), dbSNP rs752792918, ClinGen allele CA5263819.

ClinVar aggregate classification (germline): Pathogenic (1 of 4 stars; one submission).

Allele frequency attached by ClinVar (database versions not stated): TOPMed below 0.00001; ExAC 0.00001; gnomAD 0.00001.

Submission:

Labcorp Genetics (formerly Invitae), Labcorp
Classification: Pathogenic. Last evaluated: 2022-09-26. Review status: criteria provided, single submitter. Criteria: Invitae Variant Classification Sherloc (09022015). Collection method: clinical testing. Allele origin: germline.
Comment: For these reasons, this variant has been classified as Pathogenic. This variant has not been reported in the literature in individuals affected with GLE1-related conditions. This variant is present in population databases (rs752792918, gnomAD 0.007%). This sequence change creates a premature translational stop signal (p.Gln423*) in the GLE1 gene. It is expected to result in an absent or disrupted protein product. Loss-of-function variants in GLE1 are known to be pathogenic (PMID: 18204449, 24243016, 27684565).

Literature cited by the submitters: PubMed 18204449; PubMed 24243016; PubMed 27684565.